The following is an entry in ClinVar:

ClinVar aggregate classification (germline): Uncertain significance (1 of 4 stars; one submission).

Conditions:
Joubert syndrome. Also called: CEREBELLOPARENCHYMAL DISORDER IV; JOUBERT-BOLTSHAUSER SYNDROME; Familial aplasia of the vermis. Identifiers: Orphanet 475, MedGen C5979921, MONDO:0018772.
Meckel-Gruber syndrome. Also called: DYSENCEPHALIA SPLANCHNOCYSTICA; GRUBER SYNDROME; Dysencephalia splachnocystica. Identifiers: Orphanet 564, MedGen C0265215, MONDO:0018921.

Submission:

Labcorp Genetics (formerly Invitae), Labcorp
Classification: Uncertain significance for Joubert syndrome; Meckel-Gruber syndrome. Last evaluated: 2022-04-12. Review status: criteria provided, single submitter. Criteria: Invitae Variant Classification Sherloc (09022015). Collection method: clinical testing. Allele origin: germline.
Comment: This sequence change replaces leucine, which is neutral and non-polar, with proline, which is neutral and non-polar, at codon 197 of the TCTN2 protein (p.Leu197Pro). This variant is not present in population databases (gnomAD no frequency). This variant has not been reported in the literature in individuals affected with TCTN2-related conditions. Algorithms developed to predict the effect of missense changes on protein structure and function are either unavailable or do not agree on the potential impact of this missense change (SIFT: "Deleterious"; PolyPhen-2: "Probably Damaging"; Align-GVGD: "Class C0"). In summary, the available evidence is currently insufficient to determine the role of this variant in disease. Therefore, it has been classified as a Variant of Uncertain Significance.

NM_024809.5(TCTN2):c.590T>C (p.Leu197Pro)

Gene: TCTN2 (tectonic family member 2; plus strand). Cytogenetic location: 12q24.31.
Variant type: single nucleotide variant.
Coding change: c.590T>C on transcript NM_024809.5 (MANE Select); coding-DNA position 590, T replaced by C.
Protein change: p.Leu197Pro; replaces leucine 197 with proline.
Molecular consequence: missense variant.
Genome position (GRCh38, 1-based): chr12:123,686,861, T>C. VCF-style: chr12-123686861-T-C. GRCh37 (hg19) VCF-style: chr12-124171408-T-C.
Other names: c.587T>C, p.Leu196Pro (NM_001143850.3); c.590T>C, p.Leu197Pro (NM_001410989.1); short protein forms L196P, L197P.
Identifiers: ClinVar variation 2125260 (VCV002125260.4), dbSNP rs2541772622, ClinGen allele CA387161378.